The following is an entry in ClinVar:

ClinVar aggregate classification (germline): Likely benign. Review status: criteria provided, multiple submitters, no conflicts (2 of 4 stars). 2 submissions from 2 submitters: Likely benign (2). Last evaluated 2026-07-01.

Conditions:
Combined oxidative phosphorylation defect type 27. Also called: Combined oxidative phosphorylation deficiency 27. Identifiers: Orphanet 477774, MedGen C5567608, MONDO:0014728, OMIM 616672.

Allele frequency attached by ClinVar (database versions not stated): ExAC 0.00003; gnomAD exomes 0.00003; TOPMed 0.00004.
gnomAD v4.1: 59 of 1,587,308 alleles (0.0037%); highest among the groups gnomAD compares: Middle Eastern, 0.017%; no homozygotes.

Submissions (2):

CeGaT Center for Human Genetics Tuebingen
Classification: Likely benign. Last evaluated: 2026-07-01. Review status: criteria provided, single submitter. Criteria: CeGaT Center For Human Genetics Tuebingen Variant Classification Criteria Version 2. Collection method: clinical testing. Allele origin: germline. Affected: yes. Observed: 1 variant allele.
Comment: CARS2: BP4, BP7

Labcorp Genetics (formerly Invitae), Labcorp
Classification: Likely benign for Combined oxidative phosphorylation defect type 27. Last evaluated: 2025-01-13. Review status: criteria provided, single submitter. Criteria: Invitae Variant Classification Sherloc (09022015). Collection method: clinical testing. Allele origin: germline.

NM_024537.4(CARS2):c.1530C>T (p.Asp510=)

Gene: CARS2 (cysteinyl-tRNA synthetase 2, mitochondrial; minus strand). Cytogenetic location: 13q34.
Variant type: single nucleotide variant.
Coding change: c.1530C>T on transcript NM_024537.4 (MANE Select); coding-DNA position 1530, C replaced by T.
Protein change: p.Asp510=; no amino-acid change (aspartic acid 510 retained).
Molecular consequence: synonymous variant. On other transcripts: non-coding transcript variant (2).
Genome position (GRCh38, 1-based): chr13:110,642,408, G>A on the plus strand (C>T on the coding strand, the complement: CARS2 is on the minus strand). VCF-style: chr13-110642408-G-A. GRCh37 (hg19) VCF-style: chr13-111294755-G-A.
Other names: c.744C>T, p.Asp248= (NM_001352252.2).
Identifiers: ClinVar variation 1611979 (VCV001611979.9), dbSNP rs539168705, ClinGen allele CA7051618.